The following is an entry in ClinVar:

ClinVar aggregate classification (germline): Uncertain significance (1 of 4 stars; one submission).

Allele frequency attached by ClinVar (database versions not stated): gnomAD exomes 0.00001 and 0.00003; ExAC 0.00003; TOPMed 0.00003; gnomAD 0.00004; ESP Exome Variant Server 0.00008; 1000 Genomes Project 30x 0.00031; 1000 Genomes Project 0.00040.
gnomAD v4.1: 20 of 1,609,332 alleles (0.0012%); highest among the groups gnomAD compares: African/African-American, 0.027%; no homozygotes.

Submission:

Labcorp Genetics (formerly Invitae), Labcorp
Classification: Uncertain significance. Last evaluated: 2025-11-09. Review status: criteria provided, single submitter. Criteria: Invitae Variant Classification Sherloc (09022015). Collection method: clinical testing. Allele origin: germline.
Comment: This sequence change replaces glycine, which is neutral and non-polar, with arginine, which is basic and polar, at codon 767 of the KIF20A protein (p.Gly767Arg). This variant is present in population databases (rs145457733, gnomAD 0.03%). This variant has not been reported in the literature in individuals affected with KIF20A-related conditions. ClinVar contains an entry for this variant (Variation ID: 1355804). An algorithm developed to predict the effect of missense changes on protein structure and function (PolyPhen-2) suggests that this variant is likely to be disruptive. In summary, the available evidence is currently insufficient to determine the role of this variant in disease. Therefore, it has been classified as a Variant of Uncertain Significance.

NM_005733.3(KIF20A):c.2299G>A (p.Gly767Arg)

Gene: KIF20A (kinesin family member 20A; plus strand). Cytogenetic location: 5q31.2.
Variant type: single nucleotide variant.
Coding change: c.2299G>A on transcript NM_005733.3 (MANE Select); coding-DNA position 2299, G replaced by A.
Protein change: p.Gly767Arg; replaces glycine 767 with arginine.
Molecular consequence: missense variant.
Genome position (GRCh38, 1-based): chr5:138,186,375, G>A. VCF-style: chr5-138186375-G-A. GRCh37 (hg19) VCF-style: chr5-137522064-G-A.
Other names: short protein forms G767R.
Identifiers: ClinVar variation 1355804 (VCV001355804.8), dbSNP rs145457733, ClinGen allele CA3426879.